The following is an entry in ClinVar:

ClinVar aggregate classification (germline): Pathogenic/Likely pathogenic. Review status: criteria provided, multiple submitters, no conflicts (2 of 4 stars). 4 submissions from 4 submitters: Pathogenic (3); Likely pathogenic (1). Last evaluated 2024-12-24.

Conditions:
Intellectual developmental disorder, autosomal dominant 39. Also called: Intellectual disability, autosomal dominant 39; Mental retardation, autosomal dominant 39. Identifiers: MedGen C4225296, MONDO:0014678, OMIM 616521.
Inborn genetic diseases. Identifiers: MedGen C0950123, MeSH D030342.

Submissions (4):

Ambry Genetics
Classification: Pathogenic for Inborn genetic diseases. Last evaluated: 2024-12-24. Review status: criteria provided, single submitter. Criteria: Ambry Variant Classification Scheme 2023. Collection method: clinical testing. Allele origin: germline.
Comment: The c.535C>T (p.R179*) alteration, located in exon 10 (coding exon 5) of the MYT1L gene, consists of a C to T substitution at nucleotide position 535. This changes the amino acid from an arginine (R) to a stop codon at amino acid position 179. This alteration is expected to result in loss of function by premature protein truncation or nonsense-mediated mRNA decay. This variant was not reported in population-based cohorts in the Genome Aggregation Database (gnomAD). This variant was reported in individual(s) with features consistent with MYT1L-related neurodevelopmental disorder (Coursimault, 2022). Based on the available evidence, this alteration is classified as pathogenic.

3billion
Classification: Pathogenic for Intellectual developmental disorder, autosomal dominant 39. Last evaluated: 2024-12-04. Review status: criteria provided, single submitter. Criteria: ACMG Guidelines, 2015. Collection method: clinical testing. Allele origin: germline. Affected: yes.
Comment: The variant is not observed in the gnomAD v4.1.0 dataset. Predicted Consequence/Location: Stop-gained (nonsense): predicted to result in a loss or disruption of normal protein function through nonsense-mediated decay (NMD) or protein truncation. Multiple pathogenic variants are reported downstream of the variant. The variant has been reported to be associated with MYT1L-related disorder (ClinVar ID: VCV000633566 /PMID: 34748075). Therefore, this variant is classified as Pathogenic according to the recommendation of ACMG/AMP guideline.

Laboratory of Molecular Genetics (Pr. Bezieau's lab), CHU de Nantes
Classification: Likely pathogenic. Last evaluated: 2018-12-26. Review status: criteria provided, single submitter. Criteria: ACMG Guidelines, 2015. Collection method: clinical testing. Allele origin: germline. Affected: yes.

Juno Genomics, Hangzhou Juno Genomics, Inc
Classification: Pathogenic for Intellectual developmental disorder, autosomal dominant 39. Review status: criteria provided, single submitter. Criteria: ACMG Guidelines, 2015. Collection method: clinical testing. Allele origin: germline. Affected: yes.
Comment: Absent from controls (or at extremely low frequency if recessive) in Genome Aggregation Database, Exome Sequencing Project, 1000 Genomes Project, or Exome Aggregation Consortium.;Null variant in a gene where loss of function (LOF) is a known mechanism of disease.;Patient's phenotype or family history is highly specific for a disease with a single genetic etiology.

Literature cited by the submitters: PubMed 34748075 (cited by Ambry Genetics and 3billion).

NM_001303052.2(MYT1L):c.535C>T (p.Arg179Ter)

Gene: MYT1L (myelin transcription factor 1 like; minus strand). Cytogenetic location: 2p25.3.
Variant type: single nucleotide variant.
Coding change: c.535C>T on transcript NM_001303052.2 (MANE Select); coding-DNA position 535, C replaced by T.
Protein change: p.Arg179Ter; replaces arginine 179 with a stop codon.
Molecular consequence: nonsense.
Genome position (GRCh38, 1-based): chr2:1,923,234, G>A on the plus strand (C>T on the coding strand, the complement: MYT1L is on the minus strand). VCF-style: chr2-1923234-G-A. GRCh37 (hg19) VCF-style: chr2-1927006-G-A.
Other names: c.535C>T, p.Arg179Ter (NM_001329844.2, NM_001329845.1, NM_001329846.3 and 6 more transcripts); c.535C>T (NM_015025.2); short protein forms R179*.
Identifiers: ClinVar variation 633566 (VCV000633566.5), dbSNP rs1558414255, ClinGen allele CA345707944.